The following is an entry in ClinVar:

NM_001370259.2(MEN1):c.1521C>A (p.Gly507=)

Gene: MEN1 (menin 1; minus strand). Cytogenetic location: 11q13.1.
Variant type: single nucleotide variant.
Coding change: c.1521C>A on transcript NM_001370259.2 (MANE Select); coding-DNA position 1521, C replaced by A.
Protein change: p.Gly507=; no amino-acid change (glycine 507 retained).
Molecular consequence: synonymous variant.
Genome position (GRCh38, 1-based): chr11:64,804,646, G>T on the plus strand (C>A on the coding strand, the complement: MEN1 is on the minus strand). VCF-style: chr11-64804646-G-T. GRCh37 (hg19) VCF-style: chr11-64572118-G-T.
Other names: c.1416C>A, p.Gly472= (NM_001370262.2, NM_001370263.2); c.1521C>A, p.Gly507= (NM_130799.3, NM_001370260.2, NM_001370261.2); c.1536C>A, p.Gly512= (NM_130800.3, NM_130801.3, NM_130802.3 and 3 more transcripts); c.1647C>A, p.Gly549= (NM_001370251.2).
Identifiers: ClinVar variation 730813 (VCV000730813.16), dbSNP rs1407833502, ClinGen allele CA475163040.

ClinVar aggregate classification (germline): Benign/Likely benign. Review status: criteria provided, multiple submitters, no conflicts (2 of 4 stars). 3 submissions from 3 submitters: Benign (1); Likely benign (2). Last evaluated 2025-01-14.

Conditions:
Multiple endocrine neoplasia, type 1 (MEN1). Also called: MEA I; Endocrine adenomatosis multiple; MEN 1; MEN I; WERMER SYNDROME. Identifiers: Orphanet 652, MedGen C0025267, MeSH D018761, MONDO:0007540, OMIM 131100.
Hereditary cancer-predisposing syndrome. Also called: Hereditary neoplastic syndrome; Neoplastic Syndromes, Hereditary; Tumor predisposition; Hereditary Cancer Syndrome. Identifiers: Orphanet 140162, MedGen C0027672, MeSH D009386, MONDO:0015356.

Allele frequency attached by ClinVar (database versions not stated): TOPMed 0.00001.
gnomAD v4.1: 1 of 1,601,970 alleles (0.000062%); highest among the groups gnomAD compares: East Asian, 0.0022%; no homozygotes.

Submissions (3):

Labcorp Genetics (formerly Invitae), Labcorp
Classification: Likely benign for Multiple endocrine neoplasia, type 1. Last evaluated: 2025-01-14. Review status: criteria provided, single submitter. Criteria: Invitae Variant Classification Sherloc (09022015). Collection method: clinical testing. Allele origin: germline.

Myriad Genetics, Inc.
Classification: Benign for Multiple endocrine neoplasia, type 1. Last evaluated: 2024-11-05. Review status: criteria provided, single submitter. Criteria: Myriad Autosomal Dominant, Autosomal Recessive and X-Linked Classification Criteria (2023). Collection method: clinical testing. Allele origin: unknown.
Comment: This variant is considered benign. This variant is a silent/synonymous amino acid change and it is not expected to impact splicing.

Ambry Genetics
Classification: Likely benign for Hereditary cancer-predisposing syndrome. Last evaluated: 2019-09-28. Review status: criteria provided, single submitter. Criteria: Ambry Variant Classification Scheme 2023. Collection method: clinical testing. Allele origin: germline.